The following is an entry in ClinVar:

NM_005902.4(SMAD3):c.615_626del (p.Leu207_Asn210del)

Gene: SMAD3 (SMAD family member 3; plus strand). Cytogenetic location: 15q22.33.
Variant type: Deletion.
Coding change: c.615_626del on transcript NM_005902.4 (MANE Select); coding-DNA positions 615 to 626, 12 bases deleted (AAACCTATCCCC).
Protein change: p.Leu207_Asn210del.
Molecular consequence: inframe deletion.
Genome position (GRCh38, 1-based): chr15:67,170,561-67,170,572, AAACCTATCCCC deleted; deleting any 12 consecutive bases within chr15:67,170,559-67,170,572 gives the same sequence; the c. name uses the placement nearest the transcript's 3' end. VCF-style (leftmost placement, unchanged base first): chr15-67170558-TCCAAACCTATCC-T. GRCh37 (hg19) VCF-style: chr15-67462896-TCCAAACCTATCC-T.
Other names: c.300_311del, p.Leu102_Asn105del (NM_001145102.2); c.483_494del, p.Leu163_Asn166del (NM_001145103.2); c.30_41del, p.Leu12_Asn15del (NM_001145104.2).
Identifiers: ClinVar variation 424431 (VCV000424431.2), dbSNP rs1064796965, ClinGen allele CA16619992.

ClinVar aggregate classification (germline): Uncertain significance (1 of 4 stars; one submission).

Submission:

GeneDx
Classification: Uncertain significance. Last evaluated: 2017-03-21. Review status: criteria provided, single submitter. Criteria: GeneDx Variant Classification (06012015). Collection method: clinical testing. Allele origin: germline. Affected: yes.
Comment: The c.615_626del12 variant in the SMAD3 gene has not been reported previously as a pathogenic variant, nor as a benign variant, to our knowledge. The c.615_626del12 variant causes an in-frame deletion of four amino acid residues, starting with codon Leucine 207, denoted p.Leu207_Asn210del. This deletion occurs at a position that is conserved across species. In silico analysis predicts this variant is probably damaging to the protein structure/function. The c.615_626del12 variant is not observed in large population cohorts (Lek et al., 2016; 1000 Genomes Consortium et al., 2015; Exome Variant Server). We interpret c.615_626del12 as a variant of uncertain significance.